The following is an entry in ClinVar:

NM_015192.4(PLCB1):c.2551G>T (p.Ala851Ser)

Gene: PLCB1 (phospholipase C beta 1; plus strand). Cytogenetic location: 20p12.3.
Variant type: single nucleotide variant.
Coding change: c.2551G>T on transcript NM_015192.4 (MANE Select); coding-DNA position 2551, G replaced by T.
Protein change: p.Ala851Ser; replaces alanine 851 with serine.
Molecular consequence: missense variant.
Genome position (GRCh38, 1-based): chr20:8,757,073, G>T. VCF-style: chr20-8757073-G-T. GRCh37 (hg19) VCF-style: chr20-8737720-G-T.
Other names: c.2551G>T, p.Ala851Ser (NM_182734.3); short protein forms A851S.
Identifiers: ClinVar variation 4740873 (VCV004740873.1).
Genomic context (GRCh38, chr20:8,757,073, plus strand): 5'-ATGTGGAAAATGAAAGGATATTTATAATTTTAGGCTGATCCTGGAGAAACACCATCAGAG[G>T]CTCCAAGTGAAGCGAGAACGACTCCAGCAGAAAATGGGGTGAATCACACTACAACCCTGA-3'
Protein context (NP_056007.1, residues 841-861): EADPGETPSE[Ala851Ser]PSEARTTPAE

ClinVar aggregate classification (germline): Uncertain significance (1 of 4 stars; one submission).

Conditions:
Developmental and epileptic encephalopathy, 12 (DEE12). Identifiers: MedGen C3150988, MONDO:0013389, OMIM 613722.

Submission:

Labcorp Genetics (formerly Invitae), Labcorp
Classification: Uncertain significance for Developmental and epileptic encephalopathy, 12. Last evaluated: 2025-11-18. Review status: criteria provided, single submitter. Criteria: Invitae Variant Classification Sherloc (09022015). Collection method: clinical testing. Allele origin: germline.
Comment: This sequence change replaces alanine, which is neutral and non-polar, with serine, which is neutral and polar, at codon 851 of the PLCB1 protein (p.Ala851Ser). This variant is not present in population databases (gnomAD no frequency). This missense change has been observed in individual(s) with developmental and epileptic encephalopathy (internal data). Invitae Evidence Modeling of protein sequence and biophysical properties (such as structural, functional, and spatial information, amino acid conservation, physicochemical variation, residue mobility, and thermodynamic stability) indicates that this missense variant is not expected to disrupt PLCB1 protein function with a negative predictive value of 80%. In summary, the available evidence is currently insufficient to determine the role of this variant in disease. Therefore, it has been classified as a Variant of Uncertain Significance.